The following is an entry in ClinVar:

NM_001261826.3(AP3D1):c.2854A>G (p.Lys952Glu)

Gene: AP3D1 (adaptor related protein complex 3 subunit delta 1; minus strand). Cytogenetic location: 19p13.3.
Variant type: single nucleotide variant.
Coding change: c.2854A>G on transcript NM_001261826.3 (MANE Select); coding-DNA position 2854, A replaced by G.
Protein change: p.Lys952Glu; replaces lysine 952 with glutamic acid.
Molecular consequence: missense variant.
Genome position (GRCh38, 1-based): chr19:2,111,762, T>C on the plus strand (A>G on the coding strand, the complement: AP3D1 is on the minus strand). VCF-style: chr19-2111762-T-C. GRCh37 (hg19) VCF-style: chr19-2111761-T-C.
Other names: c.2818A>G, p.Lys940Glu (NM_001374799.1); c.2668A>G, p.Lys890Glu (NM_003938.8); short protein forms K940E, K952E, K890E.
Identifiers: ClinVar variation 3683511 (VCV003683511.2).

ClinVar aggregate classification (germline): Uncertain significance (1 of 4 stars; one submission).

Submission:

Labcorp Genetics (formerly Invitae), Labcorp
Classification: Uncertain significance. Last evaluated: 2025-03-18. Review status: criteria provided, single submitter. Criteria: Invitae Variant Classification Sherloc (09022015). Collection method: clinical testing. Allele origin: germline.
Comment: This sequence change replaces lysine, which is basic and polar, with glutamic acid, which is acidic and polar, at codon 952 of the AP3D1 protein (p.Lys952Glu). This variant is not present in population databases (gnomAD no frequency). This variant has not been reported in the literature in individuals affected with AP3D1-related conditions. An algorithm developed to predict the effect of missense changes on protein structure and function (PolyPhen-2) suggests that this variant is likely to be tolerated. In summary, the available evidence is currently insufficient to determine the role of this variant in disease. Therefore, it has been classified as a Variant of Uncertain Significance.